The following is an entry in ClinVar:

ClinVar aggregate classification (germline): Conflicting classifications of pathogenicity. Review status: criteria provided, conflicting classifications (1 of 4 stars). 3 submissions from 3 submitters: Uncertain significance (1); Likely benign (2). Last evaluated 2025-11-01.

Conditions:
Bethlem myopathy 1A. Also called: Bethlem myopathy 1; MYOPATHY, BENIGN CONGENITAL, WITH CONTRACTURES; Bethlem Muscular Dystrophy. Identifiers: Orphanet 610, MedGen CN029274, MONDO:0024530, OMIM 158810.

Allele frequency attached by ClinVar (database versions not stated): gnomAD 0.00003; gnomAD exomes 0.00007 and 0.00002; TOPMed 0.00007; ExAC 0.00011.
gnomAD v4.1: 42 of 1,612,748 alleles (0.0026%); highest among the groups gnomAD compares: Admixed American, 0.012%; no homozygotes.

Submissions (3):

Labcorp Genetics (formerly Invitae), Labcorp
Classification: Likely benign for Bethlem myopathy 1A. Last evaluated: 2025-11-01. Review status: criteria provided, single submitter. Criteria: Invitae Variant Classification Sherloc (09022015). Collection method: clinical testing. Allele origin: germline.

CeGaT Center for Human Genetics Tuebingen
Classification: Likely benign. Last evaluated: 2023-03-01. Review status: criteria provided, single submitter. Criteria: CeGaT Center For Human Genetics Tuebingen Variant Classification Criteria Version 2. Collection method: clinical testing. Allele origin: germline. Affected: yes. Observed: 1 variant allele.
Comment: COL6A2: BP4, BP7

Eurofins Ntd Llc (ga)
Classification: Uncertain significance. Last evaluated: 2018-04-24. Review status: criteria provided, single submitter. Criteria: EGL ClinVar v180209 classification definitions. Collection method: clinical testing. Allele origin: germline. Observed: 1 variant allele, 1 heterozygote.

NM_001849.4(COL6A2):c.162G>A (p.Ser54=)

Gene: COL6A2 (collagen type VI alpha 2 chain; plus strand). Cytogenetic location: 21q22.3.
Variant type: single nucleotide variant.
Coding change: c.162G>A on transcript NM_001849.4 (MANE Select); coding-DNA position 162, G replaced by A.
Protein change: p.Ser54=; no amino-acid change (serine 54 retained).
Molecular consequence: synonymous variant.
Genome position (GRCh38, 1-based): chr21:46,112,025, G>A. VCF-style: chr21-46112025-G-A. GRCh37 (hg19) VCF-style: chr21-47531939-G-A.
Other names: c.162G>A, p.Ser54= (NM_058174.3, NM_058175.3).
Identifiers: ClinVar variation 596924 (VCV000596924.36), dbSNP rs780123839, ClinGen allele CA10071222.